The following is an entry in ClinVar:

ClinVar aggregate classification (germline): Likely benign (0 of 4 stars; one submission).

Conditions:
DAO-related disorder. Also called: DAO-related condition.

Allele frequency attached by ClinVar (database versions not stated): gnomAD 0.00003; gnomAD exomes 0.00006; TOPMed 0.00006; ExAC 0.00011.
gnomAD v4.1: 91 of 1,613,452 alleles (0.0056%); highest among the groups gnomAD compares: Middle Eastern, 0.049%; no homozygotes.

Submission:

PreventionGenetics, part of Exact Sciences
Classification: Likely benign for DAO-related condition. Last evaluated: 2019-03-01. Review status: no assertion criteria provided. Collection method: clinical testing. Allele origin: germline.
Comment: This variant is classified as likely benign based on ACMG/AMP sequence variant interpretation guidelines (Richards et al. 2015 PMID: 25741868, with internal and published modifications).

NM_001917.5(DAO):c.108G>A (p.Ala36=)

Gene: DAO (D-amino acid oxidase; plus strand). Cytogenetic location: 12q24.11.
Variant type: single nucleotide variant.
Coding change: c.108G>A on transcript NM_001917.5 (MANE Select); coding-DNA position 108, G replaced by A.
Protein change: p.Ala36=; no amino-acid change (alanine 36 retained).
Molecular consequence: synonymous variant.
Genome position (GRCh38, 1-based): chr12:108,885,114, G>A. VCF-style: chr12-108885114-G-A. GRCh37 (hg19) VCF-style: chr12-109278890-G-A.
Other names: c.108G>A, p.Ala36= (NM_001413634.1, NM_001413635.1).
Identifiers: ClinVar variation 3057539 (VCV003057539.2), dbSNP rs200350184, ClinGen allele CA6770957.